The following is an entry in ClinVar:

ClinVar aggregate classification (germline): Benign/Likely benign. Review status: criteria provided, multiple submitters, no conflicts (2 of 4 stars). 7 submissions from 7 submitters: Benign (4); Likely benign (3). Last evaluated 2026-02-01.

Conditions:
Inborn genetic diseases. Identifiers: MedGen C0950123, MeSH D030342.
GRN-related frontotemporal lobar degeneration with Tdp43 inclusions (FTD2). Also called: GRN Frontotemporal Dementia; FRONTOTEMPORAL DEMENTIA WITH TDP43 INCLUSIONS, GRN-RELATED; FRONTOTEMPORAL LOBAR DEGENERATION WITH UBIQUITIN-POSITIVE INCLUSIONS; FTLD-TDP, GRN-RELATED; DEMENTIA, HEREDITARY DYSPHASIC DISINHIBITION. Identifiers: Orphanet 100070, Orphanet 282, MedGen C1843792, MONDO:0011842, OMIM 607485. Disease mechanism: loss of function.
Neuronal ceroid lipofuscinosis 11. Also called: GRN-Related Neuronal Ceroid-Lipofuscinosis. Identifiers: Orphanet 314629, Orphanet 79262, MedGen C3539123, MONDO:0013866, OMIM 614706.

Allele frequency attached by ClinVar (database versions not stated): gnomAD exomes 0.00052 and 0.00127; ExAC 0.00157; 1000 Genomes Project 30x 0.00344; 1000 Genomes Project 0.00399; gnomAD 0.00511 and 0.00533; TOPMed 0.00573; ESP Exome Variant Server 0.00623.

Submissions (7):

Labcorp Genetics (formerly Invitae), Labcorp
Classification: Benign for Neuronal ceroid lipofuscinosis 11; GRN-related frontotemporal lobar degeneration with Tdp43 inclusions. Last evaluated: 2026-02-01. Review status: criteria provided, single submitter. Criteria: Invitae Variant Classification Sherloc (09022015). Collection method: clinical testing. Allele origin: germline.

Blueprint Genetics
Classification: Likely benign. Last evaluated: 2024-11-11. Review status: criteria provided, single submitter. Criteria: ACMG Guidelines, 2015. Collection method: clinical testing. Allele origin: germline.

Mayo Clinic Laboratories, Mayo Clinic
Classification: Benign. Last evaluated: 2024-09-20. Review status: criteria provided, single submitter. Criteria: ACMG Guidelines, 2015. Collection method: clinical testing. Allele origin: germline. Observed: 4 variant alleles.
Comment: BA1, BP4, BP7

GeneDx
Classification: Likely benign. Last evaluated: 2019-10-01. Review status: criteria provided, single submitter. Criteria: GeneDx Variant Classification Process June 2021. Collection method: clinical testing. Allele origin: germline. Affected: yes.

Athena Diagnostics
Classification: Benign for GRN-related frontotemporal lobar degeneration with Tdp43 inclusions. Last evaluated: 2017-06-23. Review status: criteria provided, single submitter. Criteria: Athena Diagnostics Criteria. Collection method: clinical testing. Allele origin: germline.

Ambry Genetics
Classification: Benign for Inborn genetic diseases. Last evaluated: 2016-06-06. Review status: criteria provided, single submitter. Criteria: Ambry Variant Classification Scheme 2023. Collection method: clinical testing. Allele origin: germline.

Breakthrough Genomics
Classification: Likely benign. Review status: criteria provided, single submitter. Criteria: ACMG Guidelines, 2015. Collection method: not provided. Allele origin: germline. Inheritance: Autosomal recessive inheritance. Affected: yes.

Literature cited by the submitters: PubMed 18464284 (cited by Athena Diagnostics); PubMed 20020531 (cited by Athena Diagnostics).

NM_002087.4(GRN):c.42G>A (p.Leu14=)

Gene: GRN (granulin precursor; plus strand). Cytogenetic location: 17q21.31.
Variant type: single nucleotide variant.
Coding change: c.42G>A on transcript NM_002087.4 (MANE Select); coding-DNA position 42, G replaced by A.
Protein change: p.Leu14=; no amino-acid change (leucine 14 retained).
Molecular consequence: synonymous variant.
Genome position (GRCh38, 1-based): chr17:44,349,206, G>A. VCF-style: chr17-44349206-G-A. GRCh37 (hg19) VCF-style: chr17-42426574-G-A.
Other names: p.Leu14=.
Identifiers: ClinVar variation 487358 (VCV000487358.58), dbSNP rs111435385, ClinGen allele CA8601734.
Genomic context (GRCh38, chr17:44,349,206, plus strand): 5'-GGTACTTTGCAGGCAGACCATGTGGACCCTGGTGAGCTGGGTGGCCTTAACAGCAGGGCT[G>A]GTGGCTGGAACGCGGTGCCCAGATGGTCAGTTCTGCCCTGTGGCCTGCTGCCTGGACCCC-3'
Protein context (NP_002078.1, residues 4-24): LVSWVALTAG[Leu14=]VAGTRCPDGQ